The following is an entry in ClinVar:

NM_001371623.1(TCOF1):c.2860-1G>A

Gene: TCOF1 (treacle ribosome biogenesis factor 1; plus strand). Cytogenetic location: 5q32.
Variant type: single nucleotide variant.
Coding change: c.2860-1G>A on transcript NM_001371623.1 (MANE Select); the canonical splice acceptor site of the intron before coding-DNA position 2860, G replaced by A.
Molecular consequence: splice acceptor variant.
Genome position (GRCh38, 1-based): chr5:150,387,901, G>A. VCF-style: chr5-150387901-G-A. GRCh37 (hg19) VCF-style: chr5-149767464-G-A.
Other names: c.2860-1G>A (NM_001135243.2, NM_001135244.2, NM_001195141.2); c.2629-1G>A (NM_001135245.2, NM_000356.4).
Identifiers: ClinVar variation 3061438 (VCV003061438.2), dbSNP rs2534121996, ClinGen allele CA361763265.

ClinVar aggregate classification (germline): Pathogenic (0 of 4 stars; one submission).

Conditions:
TCOF1-related disorder. Also called: TCOF1-related condition.

Submission:

PreventionGenetics, part of Exact Sciences
Classification: Pathogenic for TCOF1-related condition. Last evaluated: 2024-02-12. Review status: no assertion criteria provided. Collection method: clinical testing. Allele origin: germline.
Comment: The TCOF1 c.2860-1G>A variant is predicted to disrupt the AG splice acceptor site and interfere with normal splicing. This variant, also referred to as c.2629-1G>A using an alternative transcript (NM_000356.3), has been reported in an individual with Treacher Collins syndrome (Altug Teber et al. 2004. PubMed ID: 15340364). An alternate nucleotide change affecting the same splice acceptor site (c.2860-1G>C) has also been reported as pathogenic for Treacher Collins syndrome (described as c.2629-1G>C in Splendore et al. 2002. PubMed ID: 12114482). This variant has not been reported in a large population database, indicating this variant is rare. Variants that disrupt the consensus splice acceptor site in TCOF1 are expected to be pathogenic. This variant is interpreted as pathogenic.